The following is an entry in ClinVar:

NM_001145809.2(MYH14):c.5469+6C>T

Gene: MYH14 (myosin heavy chain 14; plus strand). Cytogenetic location: 19q13.33.
Variant type: single nucleotide variant.
Coding change: c.5469+6C>T on transcript NM_001145809.2 (MANE Select); 6 bases into the intron after coding-DNA position 5469, C replaced by T.
Molecular consequence: intron variant.
Genome position (GRCh38, 1-based): chr19:50,293,693, C>T. VCF-style: chr19-50293693-C-T. GRCh37 (hg19) VCF-style: chr19-50796950-C-T.
Other names: c.5370+6C>T (NM_001077186.2); c.5346+6C>T (NM_024729.4).
Identifiers: ClinVar variation 4736905 (VCV004736905.1).

ClinVar aggregate classification (germline): Uncertain significance (1 of 4 stars; one submission).

gnomAD v4.1: 38 of 1,559,864 alleles (0.0024%); highest among the groups gnomAD compares: Middle Eastern, 0.017%; no homozygotes.

Submission:

Labcorp Genetics (formerly Invitae), Labcorp
Classification: Uncertain significance. Last evaluated: 2025-10-16. Review status: criteria provided, single submitter. Criteria: Invitae Variant Classification Sherloc (09022015). Collection method: clinical testing. Allele origin: germline.
Comment: This sequence change falls in intron 37 of the MYH14 gene. It does not directly change the encoded amino acid sequence of the MYH14 protein. It affects a nucleotide within the consensus splice site. The frequency data for this variant in the population databases is considered unreliable, as metrics indicate poor data quality at this position in the gnomAD database. This variant has not been reported in the literature in individuals affected with MYH14-related conditions. Variants that disrupt the consensus splice site are a relatively common cause of aberrant splicing (PMID: 17576681, 9536098). Algorithms developed to predict the effect of sequence changes on RNA splicing suggest that this variant is not likely to affect RNA splicing. In summary, the available evidence is currently insufficient to determine the role of this variant in disease. Therefore, it has been classified as a Variant of Uncertain Significance.

Literature cited by the submitters: PubMed 17576681; PubMed 9536098.